The following is an entry in ClinVar:

NM_002474.3(MYH11):c.1968G>A (p.Leu656=)

Gene: MYH11 (myosin heavy chain 11; minus strand). Cytogenetic location: 16p13.11.
Variant type: single nucleotide variant.
Coding change: c.1968G>A on transcript NM_002474.3 (MANE Select); coding-DNA position 1968, G replaced by A.
Protein change: p.Leu656=; no amino-acid change (leucine 656 retained).
Molecular consequence: synonymous variant.
Genome position (GRCh38, 1-based): chr16:15,750,228, C>T on the plus strand (G>A on the coding strand, the complement: MYH11 is on the minus strand). VCF-style: chr16-15750228-C-T. GRCh37 (hg19) VCF-style: chr16-15844085-C-T.
Other names: c.1989G>A, p.Leu663= (NM_001040113.2, NM_001040114.2); c.1968G>A, p.Leu656= (NM_022844.3).
Identifiers: ClinVar variation 465709 (VCV000465709.24), dbSNP rs754494548, ClinGen allele CA7922461.

ClinVar aggregate classification (germline): Benign/Likely benign. Review status: criteria provided, multiple submitters, no conflicts (2 of 4 stars). 5 submissions from 5 submitters: Benign (1); Likely benign (4). Last evaluated 2026-09-01.

Conditions:
Familial thoracic aortic aneurysm and aortic dissection (TAAD). Also called: Thoracic aortic aneurysms and dissections. Identifiers: Orphanet 91387, MedGen C4707243, MONDO:0019625.
Aortic aneurysm, familial thoracic 4 (AAT4). Also called: AORTIC ANEURYSM/AORTIC DISSECTION AND PATENT DUCTUS ARTERIOSUS. Identifiers: MedGen C1851504, MONDO:0007568, OMIM 132900.

Allele frequency attached by ClinVar (database versions not stated): gnomAD 0.00001; TOPMed 0.00002; gnomAD exomes 0.00006 and 0.00013; ExAC 0.00015.
gnomAD v4.1: 39 of 1,614,094 alleles (0.0024%); highest among the groups gnomAD compares: Admixed American, 0.065%; 1 homozygote.

Submissions (5):

CeGaT Center for Human Genetics Tuebingen
Classification: Likely benign. Last evaluated: 2026-09-01. Review status: criteria provided, single submitter. Criteria: CeGaT Center For Human Genetics Tuebingen Variant Classification Criteria Version 2. Collection method: clinical testing. Allele origin: germline. Affected: yes. Observed: 2 variant alleles.
Comment: MYH11: BP4, BP7

Labcorp Genetics (formerly Invitae), Labcorp
Classification: Benign for Aortic aneurysm, familial thoracic 4. Last evaluated: 2025-12-08. Review status: criteria provided, single submitter. Criteria: Invitae Variant Classification Sherloc (09022015). Collection method: clinical testing. Allele origin: germline.

All of Us Research Program, National Institutes of Health
Classification: Likely benign for Familial thoracic aortic aneurysm and aortic dissection. Last evaluated: 2023-12-18. Review status: criteria provided, single submitter. Criteria: ACMG Guidelines, 2015. Collection method: clinical testing. Allele origin: germline. Inheritance: Autosomal dominant inheritance. Observed: 4 variant alleles, 4 heterozygotes.
Comment: This study involves interpretation of variants in research participants for the purpose of population health screening. Participant phenotype was not available at the time of variant classification. Additional details can be found in publication PMID: 35346344, PMCID: PMC8962531

Ambry Genetics
Classification: Likely benign for Familial thoracic aortic aneurysm and aortic dissection. Last evaluated: 2022-09-02. Review status: criteria provided, single submitter. Criteria: Ambry Variant Classification Scheme 2023. Collection method: clinical testing. Allele origin: germline.

Color Diagnostics, LLC DBA Color Health
Classification: Likely benign for Familial thoracic aortic aneurysm and aortic dissection. Last evaluated: 2019-02-16. Review status: criteria provided, single submitter. Criteria: ACMG Guidelines, 2015. Collection method: clinical testing. Allele origin: germline.